The following is an entry in ClinVar:

NM_001903.5(CTNNA1):c.514G>T (p.Asp172Tyr)

Gene: CTNNA1 (catenin alpha 1; plus strand). Cytogenetic location: 5q31.2.
Variant type: single nucleotide variant.
Coding change: c.514G>T on transcript NM_001903.5 (MANE Select); coding-DNA position 514, G replaced by T.
Protein change: p.Asp172Tyr; replaces aspartic acid 172 with tyrosine.
Molecular consequence: missense variant.
Genome position (GRCh38, 1-based): chr5:138,812,228, G>T. VCF-style: chr5-138812228-G-T. GRCh37 (hg19) VCF-style: chr5-138147917-G-T.
Other names: c.514G>T, p.Asp172Tyr (NM_001323986.2, NM_001290307.3, NM_001323982.2 and 3 more transcripts); c.205G>T, p.Asp69Tyr (NM_001290309.3); c.145G>T, p.Asp49Tyr (NM_001290310.3); short protein forms D172Y, D49Y, D69Y.
Identifiers: ClinVar variation 3270083 (VCV003270083.1).

ClinVar aggregate classification (germline): Uncertain significance (1 of 4 stars; one submission).

Conditions:
Hereditary cancer-predisposing syndrome. Also called: Tumor predisposition; Hereditary Cancer Syndrome; Hereditary neoplastic syndrome; Neoplastic Syndromes, Hereditary. Identifiers: Orphanet 140162, MedGen C0027672, MeSH D009386, MONDO:0015356.

Submission:

Ambry Genetics
Classification: Uncertain significance for Hereditary cancer-predisposing syndrome. Last evaluated: 2024-04-01. Review status: criteria provided, single submitter. Criteria: Ambry Variant Classification Scheme 2023. Collection method: clinical testing. Allele origin: germline.
Comment: The p.D172Y variant (also known as c.514G>T), located in coding exon 4 of the CTNNA1 gene, results from a G to T substitution at nucleotide position 514. The aspartic acid at codon 172 is replaced by tyrosine, an amino acid with highly dissimilar properties. This amino acid position is highly conserved in available vertebrate species. In addition, this alteration is predicted to be deleterious by in silico analysis. The evidence for this gene-disease relationship is limited; therefore, the clinical significance of this alteration is unclear.